The following is an entry in ClinVar:

NM_001160372.4(TRAPPC9):c.531dup (p.Leu178fs)

Gene: TRAPPC9 (trafficking protein particle complex subunit 9; minus strand). Cytogenetic location: 8q24.3.
Variant type: Duplication.
Coding change: c.531dup on transcript NM_001160372.4 (MANE Select); coding-DNA position 531, one base duplicated (T; older notation c.531dupT).
Protein change: p.Leu178fs; shifts the reading frame from leucine 178.
Molecular consequence: frameshift variant. On other transcripts: non-coding transcript variant (1).
Genome position (GRCh38, 1-based): chr8:140,450,843, A duplicated on the plus strand (T on the coding strand, the reverse complement: TRAPPC9 is on the minus strand); the first of 2 consecutive A bases (chr8:140,450,843-140,450,844); duplicating either gives the same sequence. VCF-style (leftmost placement, unchanged base first): chr8-140450842-G-GA. GRCh37 (hg19) VCF-style: chr8-141460941-G-GA.
Other names: c.531dup, p.Leu178fs (NM_001321646.2, NM_001374682.1, NM_001374683.1 and 2 more transcripts); short protein forms L178fs.
Identifiers: ClinVar variation 437051 (VCV000437051.7), dbSNP rs1554689877, ClinGen allele CA585724529.
Genomic context (GRCh38, chr8:140,450,842, plus strand): 5'-AAGCTTACCTGCTGTCTGTGTCCAGTCCTACAAAGTCCTTTTTCTCAAACGGGACACAGA[G>GA]AAGGGGGATCTTATCCCCAGACTTGTCTGTGGCTCTGTCCAGACGCTTGGACTCCAGCAC-3'

ClinVar aggregate classification (germline): Pathogenic. Review status: criteria provided, multiple submitters, no conflicts (2 of 4 stars). 2 submissions from 2 submitters: Pathogenic (2). Last evaluated 2025-08-08.

Conditions:
Intellectual developmental disorder, autosomal recessive 13. Also called: Intellectual disability, autosomal recessive 13. Identifiers: Orphanet 88616, MedGen C2750791, MONDO:0013173, OMIM 613192.

Submissions (2):

Labcorp Genetics (formerly Invitae), Labcorp
Classification: Pathogenic. Last evaluated: 2025-08-08. Review status: criteria provided, single submitter. Criteria: Invitae Variant Classification Sherloc (09022015). Collection method: clinical testing. Allele origin: germline.
Comment: This sequence change creates a premature translational stop signal (p.Leu276Serfs*6) in the TRAPPC9 gene. It is expected to result in an absent or disrupted protein product. Loss-of-function variants in TRAPPC9 are known to be pathogenic (PMID: 2000476, 20004763, 20004764). This variant is present in population databases (no rsID available, gnomAD 0.0009%). This variant has not been reported in the literature in individuals affected with TRAPPC9-related conditions. ClinVar contains an entry for this variant (Variation ID: 437051). For these reasons, this variant has been classified as Pathogenic.

Genetic Services Laboratory, University of Chicago
Classification: Pathogenic for Mental retardation, autosomal recessive 13. Last evaluated: 2016-04-15. Review status: criteria provided, single submitter. Criteria: ACMG Guidelines, 2015. Collection method: clinical testing. Allele origin: germline. Affected: yes.

Literature cited by the submitters: PubMed 2000476 (cited by Labcorp Genetics (formerly Invitae), Labcorp); PubMed 20004763 (cited by Labcorp Genetics (formerly Invitae), Labcorp); PubMed 20004764 (cited by Labcorp Genetics (formerly Invitae), Labcorp).